The following is an entry in ClinVar:

NM_001039591.3(USP9X):c.6421_6426dup (p.Pro2142_Ser2143insGlyPro)

Gene: USP9X (ubiquitin specific peptidase 9 X-linked; plus strand). Cytogenetic location: Xp11.4.
Variant type: Duplication.
Coding change: c.6421_6426dup on transcript NM_001039591.3 (MANE Select); coding-DNA positions 6421 to 6426, 6 bases duplicated (GGACCT; older notation c.6421_6426dupGGACCT).
Protein change: p.Pro2142_Ser2143insGlyPro.
Molecular consequence: inframe insertion.
Genome position (GRCh38, 1-based): chrX:41,218,583-41,218,588, GGACCT duplicated; duplicating any 6 consecutive bases within chrX:41,218,580-41,218,588 gives the same sequence; the c. name uses the placement nearest the transcript's 3' end. VCF-style (leftmost placement, unchanged base first): chrX-41218579-T-TCCTGGA. GRCh37 (hg19) VCF-style: chrX-41077832-T-TCCTGGA.
Other names: c.6436_6441dup, p.Pro2147_Ser2148insGlyPro (NM_001410749.1, NM_001437534.1, NM_001410748.1); c.6421_6426dup, p.Pro2142_Ser2143insGlyPro (NM_001039590.3).
Identifiers: ClinVar variation 5008317 (VCV005008317.1).

ClinVar aggregate classification (germline): Uncertain significance (1 of 4 stars; one submission).

Submission:

GeneDx
Classification: Uncertain significance. Last evaluated: 2026-03-02. Review status: criteria provided, single submitter. Criteria: GeneDx Variant Classification Process June 2021. Collection method: clinical testing. Allele origin: germline.
Comment: Not observed at significant frequency in large population cohorts (gnomAD); In-frame duplication of 2 amino acid(s) in a non-repeat region; Has not been previously published as pathogenic or benign to our knowledge